The following is an entry in ClinVar:

NM_001291088.2(WDR87):c.829C>T (p.His277Tyr)

Gene: WDR87 (WD repeat domain 87; minus strand). Cytogenetic location: 19q13.13.
Variant type: single nucleotide variant.
Coding change: c.829C>T on transcript NM_001291088.2 (MANE Select); coding-DNA position 829, C replaced by T.
Protein change: p.His277Tyr; replaces histidine 277 with tyrosine.
Molecular consequence: missense variant.
Genome position (GRCh38, 1-based): chr19:37,894,874, G>A on the plus strand (C>T on the coding strand, the complement: WDR87 is on the minus strand). VCF-style: chr19-37894874-G-A. GRCh37 (hg19) VCF-style: chr19-38385514-G-A.
Other names: c.712C>T, p.His238Tyr (NM_031951.5); short protein forms H277Y, H238Y.
Identifiers: ClinVar variation 3469713 (VCV003469713.2).

ClinVar aggregate classification (germline): Uncertain significance. Review status: criteria provided, multiple submitters, no conflicts (2 of 4 stars). 2 submissions from 2 submitters: Uncertain significance (2). Last evaluated 2025-07-09.

Submissions (2):

Labcorp Genetics (formerly Invitae), Labcorp
Classification: Uncertain significance. Last evaluated: 2025-07-09. Review status: criteria provided, single submitter. Criteria: Invitae Variant Classification Sherloc (09022015). Collection method: clinical testing. Allele origin: germline.
Comment: This sequence change replaces histidine, which is basic and polar, with tyrosine, which is neutral and polar, at codon 238 of the WDR87 protein (p.His238Tyr). This variant is present in population databases (no rsID available, gnomAD 0.1%), and has an allele count higher than expected for a pathogenic variant. This variant has not been reported in the literature in individuals affected with WDR87-related conditions. ClinVar contains an entry for this variant (Variation ID: 3469713). An algorithm developed to predict the effect of missense changes on protein structure and function (PolyPhen-2) suggests that this variant is likely to be disruptive. In summary, the available evidence is currently insufficient to determine the role of this variant in disease. Therefore, it has been classified as a Variant of Uncertain Significance.

Ambry Genetics
Classification: Uncertain significance. Last evaluated: 2024-10-01. Review status: criteria provided, single submitter. Criteria: Ambry Variant Classification Scheme 2023. Collection method: clinical testing. Allele origin: germline.